The following is an entry in ClinVar:

NM_000393.5(COL5A2):c.2863G>A (p.Asp955Asn)

Gene: COL5A2 (collagen type V alpha 2 chain; minus strand). Cytogenetic location: 2q32.2.
Variant type: single nucleotide variant.
Coding change: c.2863G>A on transcript NM_000393.5 (MANE Select); coding-DNA position 2863, G replaced by A.
Protein change: p.Asp955Asn; replaces aspartic acid 955 with asparagine.
Molecular consequence: missense variant.
Genome position (GRCh38, 1-based): chr2:189,051,388, C>T on the plus strand (G>A on the coding strand, the complement: COL5A2 is on the minus strand). VCF-style: chr2-189051388-C-T. GRCh37 (hg19) VCF-style: chr2-189916114-C-T.
Other names: short protein forms D955N.
Identifiers: ClinVar variation 459742 (VCV000459742.8), dbSNP rs754751410, ClinGen allele CA2022163.

ClinVar aggregate classification (germline): Uncertain significance. Review status: criteria provided, multiple submitters, no conflicts (2 of 4 stars). 2 submissions from 2 submitters: Uncertain significance (2). Last evaluated 2018-03-16.

Conditions:
Ehlers-Danlos syndrome, classic type, 1 (EDSCL1). Also called: EHLERS-DANLOS SYNDROME, GRAVIS TYPE; EHLERS-DANLOS SYNDROME, SEVERE CLASSIC TYPE; EDS I; Ehlers-Danlos Syndrome, Classic Type, COL5A1-Related; Ehlers-Danlos syndrome, type 1. Identifiers: MedGen C0268335, MONDO:0019567, OMIM 130000.
Connective tissue disorder. Also called: Connective tissue disease. Identifiers: MedGen C0009782, MONDO:0003900.

Allele frequency attached by ClinVar (database versions not stated): gnomAD exomes below 0.00001 and 0.00001; ExAC 0.00001.
gnomAD v4.1: 10 of 1,614,088 alleles (0.00062%); highest among the groups gnomAD compares: Admixed American, 0.0017%; no homozygotes.

Submissions (2):

Labcorp Genetics (formerly Invitae), Labcorp
Classification: Uncertain significance for Ehlers-Danlos syndrome, classic type, 1. Last evaluated: 2018-03-16. Review status: criteria provided, single submitter. Criteria: Invitae Variant Classification Sherloc (09022015). Collection method: clinical testing. Allele origin: germline.
Comment: This sequence change replaces aspartic acid with asparagine at codon 955 of the COL5A2 protein (p.Asp955Asn). The aspartic acid residue is highly conserved and there is a small physicochemical difference between aspartic acid and asparagine. This variant is present in population databases (rs754751410, ExAC 0.009%). This variant has not been reported in the literature in individuals with COL5A2-related disease. ClinVar contains an entry for this variant (Variation ID: 459742). Algorithms developed to predict the effect of missense changes on protein structure and function do not agree on the potential impact of this missense change (SIFT: "Tolerated"; PolyPhen-2: "Possibly Damaging"; Align-GVGD: "Class C0"). In summary, the available evidence is currently insufficient to determine the role of this variant in disease. Therefore, it has been classified as a Variant of Uncertain Significance.

Center for Human Genetics, Inc
Classification: Uncertain significance for Connective tissue disorder. Last evaluated: 2016-11-01. Review status: criteria provided, single submitter. Criteria: ACMG Guidelines, 2015. Collection method: clinical testing. Allele origin: germline. Affected: yes.